The following is an entry in ClinVar:

NM_001135649.3(FOXI3):c.641-1G>A

Gene: FOXI3 (forkhead box I3; minus strand). Cytogenetic location: 2p11.2.
Variant type: single nucleotide variant.
Coding change: c.641-1G>A on transcript NM_001135649.3 (MANE Select); the canonical splice acceptor site of the intron before coding-DNA position 641, G replaced by A.
Molecular consequence: splice acceptor variant.
Genome position (GRCh38, 1-based): chr2:88,448,830, C>T on the plus strand (G>A on the coding strand, the complement: FOXI3 is on the minus strand). VCF-style: chr2-88448830-C-T. GRCh37 (hg19) VCF-style: chr2-88748349-C-T.
Identifiers: ClinVar variation 2095215 (VCV002095215.4), dbSNP rs2528910586, ClinGen allele CA347765603.

ClinVar aggregate classification (germline): Uncertain significance (1 of 4 stars; one submission).

Allele frequency attached by ClinVar (database versions not stated): gnomAD exomes below 0.00001.

Submission:

Labcorp Genetics (formerly Invitae), Labcorp
Classification: Uncertain significance. Last evaluated: 2022-02-08. Review status: criteria provided, single submitter. Criteria: Invitae Variant Classification Sherloc (09022015). Collection method: clinical testing. Allele origin: germline.
Comment: This variant has not been reported in the literature in individuals affected with FOXI3-related conditions. This sequence change falls in intron 1 of the FOXI3 gene. It does not directly change the encoded amino acid sequence of the FOXI3 protein. It affects a nucleotide within the consensus splice site. This variant is not present in population databases (gnomAD no frequency). Variants that disrupt the consensus splice site are a relatively common cause of aberrant splicing (PMID: 17576681, 9536098). In summary, the available evidence is currently insufficient to determine the role of this variant in disease. Therefore, it has been classified as a Variant of Uncertain Significance.

Literature cited by the submitters: PubMed 17576681; PubMed 9536098.